The following is an entry in ClinVar:

ClinVar aggregate classification (germline): Likely pathogenic (1 of 4 stars; one submission).

Submission:

GeneDx
Classification: Likely pathogenic. Last evaluated: 2021-01-25. Review status: criteria provided, single submitter. Criteria: GeneDx Variant Classification Process June 2021. Collection method: clinical testing. Allele origin: germline. Affected: yes.
Comment: Canonical splice site variant in a gene for which loss-of-function is a known mechanism of disease AND Non-canonical splice site variant demonstrated to result in loss-of-function (ref); Not observed in large population cohorts (Lek et al., 2016); Has not been previously published as pathogenic or benign to our knowledge

NM_001127222.2(CACNA1A):c.6051-1G>A

Gene: CACNA1A (calcium voltage-gated channel subunit alpha1 A; minus strand). Cytogenetic location: 19p13.13.
Variant type: single nucleotide variant.
Coding change: c.6051-1G>A on transcript NM_001127222.2 (MANE Select); the canonical splice acceptor site of the intron before coding-DNA position 6051, G replaced by A.
Molecular consequence: splice acceptor variant.
Genome position (GRCh38, 1-based): chr19:13,212,523, C>T on the plus strand (G>A on the coding strand, the complement: CACNA1A is on the minus strand). VCF-style: chr19-13212523-C-T. GRCh37 (hg19) VCF-style: chr19-13323337-C-T.
Other names: c.6054-1G>A (NM_001127221.2); c.6060-1G>A (NM_001174080.2); c.6069-1G>A (NM_000068.4, NM_023035.3).
Identifiers: ClinVar variation 1210723 (VCV001210723.3), dbSNP rs2144525222, ClinGen allele CA404333231.